The following is an entry in ClinVar:

ClinVar aggregate classification (germline): Uncertain significance (1 of 4 stars; one submission).

Submission:

Labcorp Genetics (formerly Invitae), Labcorp
Classification: Uncertain significance. Last evaluated: 2025-04-23. Review status: criteria provided, single submitter. Criteria: Invitae Variant Classification Sherloc (09022015). Collection method: clinical testing. Allele origin: germline.
Comment: This variant, c.1326_1328del, results in the deletion of 1 amino acid(s) of the BEST1 protein (p.Asn442del), but otherwise preserves the integrity of the reading frame. This variant is present in population databases (no rsID available, gnomAD 0.002%). This variant has not been reported in the literature in individuals affected with BEST1-related conditions. ClinVar contains an entry for this variant (Variation ID: 849390). Experimental studies and prediction algorithms are not available or were not evaluated, and the functional significance of this variant is currently unknown. In summary, the available evidence is currently insufficient to determine the role of this variant in disease. Therefore, it has been classified as a Variant of Uncertain Significance.

NM_004183.4(BEST1):c.1323CAA[1] (p.Asn442del)

Gene: BEST1 (bestrophin 1; plus strand). Cytogenetic location: 11q12.3.
Variant type: Microsatellite.
Coding change: c.1323CAA[1] on transcript NM_004183.4 (MANE Select); one copy of the 3-base unit CAA starting at c.1323; the reference has two copies in a row; one copy, 3 bases deleted.
Protein change: p.Asn442del; deletes asparagine 442.
Molecular consequence: inframe deletion. On other transcripts: inframe indel (3), non-coding transcript variant (1).
Genome position (GRCh38, 1-based): chr11:61,962,480-61,962,482, CAA deleted; deleting any 3 consecutive bases within chr11:61,962,476-61,962,482 gives the same sequence; the position shown is the placement nearest the transcript's 3' end. VCF-style (leftmost placement, unchanged base first): chr11-61962475-GACA-G. GRCh37 (hg19) VCF-style: chr11-61729947-GACA-G.
Other names: c.1143_1145CAA[1], p.Asn382del (NM_001139443.3); c.1062CAA[1], p.Asn355del (NM_001300786.2); c.1143CAA[1], p.Asn382del (NM_001300787.2); c.1005_1007CAA[1], p.Asn336del (NM_001363591.3); c.*218_*220CAA[1] (NM_001363592.2); c.351_353CAA[1], p.Asn118del (NM_001363593.3); short protein forms N382del, N336del, N442del, N118del, N355del.
Identifiers: ClinVar variation 849390 (VCV000849390.9), dbSNP rs1316030506, ClinGen allele CA474806575.